The following is an entry in ClinVar:

ClinVar aggregate classification (germline): Conflicting classifications of pathogenicity. Review status: criteria provided, conflicting classifications (1 of 4 stars). 7 submissions from 7 submitters: Uncertain significance (1); Likely benign (6). Last evaluated 2025-05-02.

Conditions:
Aortic aneurysm, familial thoracic 4 (AAT4). Also called: AORTIC ANEURYSM/AORTIC DISSECTION AND PATENT DUCTUS ARTERIOSUS. Identifiers: MedGen C1851504, MONDO:0007568, OMIM 132900.
MYH11-related disorder. Also called: MYH11-related condition.
Familial thoracic aortic aneurysm and aortic dissection (TAAD). Also called: Thoracic aortic aneurysms and dissections. Identifiers: Orphanet 91387, MedGen C4707243, MONDO:0019625.

Allele frequency attached by ClinVar (database versions not stated): gnomAD below 0.00001 and 0.00005; TOPMed 0.00002; ExAC 0.00027; gnomAD exomes 0.00029.
gnomAD v4.1: 216 of 1,613,744 alleles (0.013%); highest among the groups gnomAD compares: South Asian, 0.23%; 1 homozygote.

Submissions (7):

PreventionGenetics, part of Exact Sciences
Classification: Likely benign for MYH11-related condition. Last evaluated: 2025-05-02. Review status: criteria provided, single submitter. Criteria: ACMG Guidelines, 2015. Collection method: clinical testing. Allele origin: germline.
Comment: This variant is classified as likely benign based on ACMG/AMP sequence variant interpretation guidelines (Richards et al. 2015 PMID: 25741868, with internal and published modifications).

Labcorp Genetics (formerly Invitae), Labcorp
Classification: Likely benign for Aortic aneurysm, familial thoracic 4. Last evaluated: 2024-10-22. Review status: criteria provided, single submitter. Criteria: Invitae Variant Classification Sherloc (09022015). Collection method: clinical testing. Allele origin: germline.

Blueprint Genetics
Classification: Likely benign. Last evaluated: 2024-07-05. Review status: criteria provided, single submitter. Criteria: ACMG Guidelines, 2015. Collection method: clinical testing. Allele origin: germline.

All of Us Research Program, National Institutes of Health
Classification: Likely benign for Familial thoracic aortic aneurysm and aortic dissection. Last evaluated: 2023-10-06. Review status: criteria provided, single submitter. Criteria: ACMG Guidelines, 2015. Collection method: clinical testing. Allele origin: germline. Inheritance: Autosomal dominant inheritance. Observed: 1 variant allele, 1 heterozygote.
Comment: This study involves interpretation of variants in research participants for the purpose of population health screening. Participant phenotype was not available at the time of variant classification. Additional details can be found in publication PMID: 35346344, PMCID: PMC8962531

Ambry Genetics
Classification: Likely benign for Familial thoracic aortic aneurysm and aortic dissection. Last evaluated: 2022-04-09. Review status: criteria provided, single submitter. Criteria: Ambry Variant Classification Scheme 2023. Collection method: clinical testing. Allele origin: germline.

ARUP Laboratories, Molecular Genetics and Genomics, ARUP Laboratories
Classification: Uncertain significance for Aortic aneurysm, familial thoracic 4. Last evaluated: 2020-04-14. Review status: criteria provided, single submitter. Criteria: ARUP Molecular Germline Variant Investigation Process. Collection method: clinical testing. Allele origin: germline.
Comment: The MYH11 c.2665A>C; p.Lys889Gln variant (rs762308378) is reported in the literature in an individual affected with thoracic aortic aneurysm (Prapa 2013). This variant is reported in ClinVar (Variation ID: 318164), and is found in the South Asian population with an allele frequency of 0.23% (71/30616 alleles, including a single homozygote) in the Genome Aggregation Database. The lysine at codon 889 is moderately conserved, and computational analyses (SIFT: damaging, PolyPhen-2: benign) predict conflicting effects of this variant on protein structure/function. While the high population frequency in South Asians suggests that this is likely a benign variant, given the lack of clinical and functional data, the significance of the p.Lys889Gln variant is uncertain at this time. References: Prapa S. Bicuspid aortic valve and associated aortopathy: a combined biomechanics, histological and genetic analysis. PhD thesis, Imperial College London, London. 2013.

Color Diagnostics, LLC DBA Color Health
Classification: Likely benign for Familial thoracic aortic aneurysm and aortic dissection. Last evaluated: 2019-01-04. Review status: criteria provided, single submitter. Criteria: ACMG Guidelines, 2015. Collection method: clinical testing. Allele origin: germline.

NM_002474.3(MYH11):c.2665A>C (p.Lys889Gln)

Gene: MYH11 (myosin heavy chain 11; minus strand). Cytogenetic location: 16p13.11.
Variant type: single nucleotide variant.
Coding change: c.2665A>C on transcript NM_002474.3 (MANE Select); coding-DNA position 2665, A replaced by C.
Protein change: p.Lys889Gln; replaces lysine 889 with glutamine.
Molecular consequence: missense variant.
Genome position (GRCh38, 1-based): chr16:15,741,657, T>G on the plus strand (A>C on the coding strand, the complement: MYH11 is on the minus strand). VCF-style: chr16-15741657-T-G. GRCh37 (hg19) VCF-style: chr16-15835514-T-G.
Other names: c.2686A>C, p.Lys896Gln (NM_001040113.2, NM_001040114.2); c.2665A>C, p.Lys889Gln (NM_022844.3); short protein forms K889Q, K896Q.
Identifiers: ClinVar variation 318164 (VCV000318164.28), dbSNP rs762308378, ClinGen allele CA7922185.